The following is an entry in ClinVar:

ClinVar aggregate classification (germline): Uncertain significance (1 of 4 stars; one submission).

gnomAD v4.1: 1 of 1,614,172 alleles (0.000062%); no homozygotes.

Submission:

Labcorp Genetics (formerly Invitae), Labcorp
Classification: Uncertain significance. Last evaluated: 2022-08-23. Review status: criteria provided, single submitter. Criteria: Invitae Variant Classification Sherloc (09022015). Collection method: clinical testing. Allele origin: germline.
Comment: In summary, the available evidence is currently insufficient to determine the role of this variant in disease. Therefore, it has been classified as a Variant of Uncertain Significance. Algorithms developed to predict the effect of missense changes on protein structure and function (SIFT, PolyPhen-2, Align-GVGD) all suggest that this variant is likely to be tolerated. This variant has not been reported in the literature in individuals affected with CLUAP1-related conditions. This variant is not present in population databases (gnomAD no frequency). This sequence change replaces aspartic acid, which is acidic and polar, with asparagine, which is neutral and polar, at codon 373 of the CLUAP1 protein (p.Asp373Asn).

NM_015041.3(CLUAP1):c.1117G>A (p.Asp373Asn)

Gene: CLUAP1 (clusterin associated protein 1; plus strand). Cytogenetic location: 16p13.3.
Variant type: single nucleotide variant.
Coding change: c.1117G>A on transcript NM_015041.3 (MANE Select); coding-DNA position 1117, G replaced by A.
Protein change: p.Asp373Asn; replaces aspartic acid 373 with asparagine.
Molecular consequence: missense variant.
Genome position (GRCh38, 1-based): chr16:3,536,146, G>A. VCF-style: chr16-3536146-G-A. GRCh37 (hg19) VCF-style: chr16-3586146-G-A.
Other names: c.1174G>A, p.Asp392Asn (NM_001330454.2); c.619G>A, p.Asp207Asn (NM_024793.3); short protein forms D373N, D207N, D392N.
Identifiers: ClinVar variation 2093314 (VCV002093314.4), dbSNP rs1567445188, ClinGen allele CA394516439.